The following is an entry in ClinVar:

NM_138387.4(G6PC3):c.412C>G (p.Arg138Gly)

Gene: G6PC3 (glucose-6-phosphatase catalytic subunit 3; plus strand). Cytogenetic location: 17q21.31.
Variant type: single nucleotide variant.
Coding change: c.412C>G on transcript NM_138387.4 (MANE Select); coding-DNA position 412, C replaced by G.
Protein change: p.Arg138Gly; replaces arginine 138 with glycine.
Molecular consequence: missense variant.
Genome position (GRCh38, 1-based): chr17:44,074,766, C>G. VCF-style: chr17-44074766-C-G. GRCh37 (hg19) VCF-style: chr17-42152134-C-G.
Other names: c.412C>G, p.Arg138Gly (NM_001319945.2); c.67C>G, p.Arg23Gly (NM_001384165.1, NM_001384166.1, NM_001384167.1 and 1 more transcripts); short protein forms R23G, R138G.
Identifiers: ClinVar variation 4260990 (VCV004260990.1).

ClinVar aggregate classification (germline): Uncertain significance (1 of 4 stars; one submission).

Conditions:
Inborn genetic diseases. Identifiers: MedGen C0950123, MeSH D030342.

Submission:

Ambry Genetics
Classification: Uncertain significance for Inborn genetic diseases. Last evaluated: 2025-07-31. Review status: criteria provided, single submitter. Criteria: Ambry Variant Classification Scheme 2023. Collection method: clinical testing. Allele origin: germline.
Comment: The p.R138G variant (also known as c.412C>G), located in coding exon 3 of the G6PC3 gene, results from a C to G substitution at nucleotide position 412. The arginine at codon 138 is replaced by glycine, an amino acid with dissimilar properties. This amino acid position is conserved. In addition, this alteration is predicted to be tolerated by in silico analysis. Based on the available evidence, the clinical significance of this variant remains unclear.